The following is an entry in ClinVar:

ClinVar aggregate classification (germline): Uncertain significance. Review status: criteria provided, multiple submitters, no conflicts (2 of 4 stars). 3 submissions from 3 submitters: Uncertain significance (3). Last evaluated 2024-07-10.

Conditions:
Mucopolysaccharidosis type 1. Also called: IDUA deficiency; MPS I; Mucopolysaccharidosis Type I. Identifiers: Orphanet 579, MedGen C0023786, MONDO:0001586.

Allele frequency attached by ClinVar (database versions not stated): ExAC 0.00005.
gnomAD v4.1: 20 of 1,610,362 alleles (0.0012%); highest among the groups gnomAD compares: South Asian, 0.021%; no homozygotes.

Submissions (3):

Labcorp Genetics (formerly Invitae), Labcorp
Classification: Uncertain significance for Mucopolysaccharidosis type 1. Last evaluated: 2024-07-10. Review status: criteria provided, single submitter. Criteria: Invitae Variant Classification Sherloc (09022015). Collection method: clinical testing. Allele origin: germline.
Comment: This sequence change replaces proline, which is neutral and non-polar, with serine, which is neutral and polar, at codon 81 of the IDUA protein (p.Pro81Ser). This variant is present in population databases (rs773908263, gnomAD 0.02%). This variant has not been reported in the literature in individuals affected with IDUA-related conditions. ClinVar contains an entry for this variant (Variation ID: 1897490). Advanced modeling of protein sequence and biophysical properties (such as structural, functional, and spatial information, amino acid conservation, physicochemical variation, residue mobility, and thermodynamic stability) performed at Invitae indicates that this missense variant is expected to disrupt IDUA protein function with a positive predictive value of 80%. In summary, the available evidence is currently insufficient to determine the role of this variant in disease. Therefore, it has been classified as a Variant of Uncertain Significance.

Blueprint Genetics
Classification: Uncertain significance. Last evaluated: 2023-09-08. Review status: criteria provided, single submitter. Criteria: ACMG Guidelines, 2015. Collection method: clinical testing. Allele origin: germline.

Revvity Omics, Revvity
Classification: Uncertain significance. Last evaluated: 2021-01-08. Review status: criteria provided, single submitter. Criteria: ACMG Guidelines, 2015. Collection method: clinical testing. Allele origin: germline.

NM_000203.5(IDUA):c.241C>T (p.Pro81Ser)

Genes: IDUA (alpha-L-iduronidase; plus strand), SLC26A1 (solute carrier family 26 member 1; minus strand). Cytogenetic location: 4p16.3.
Variant type: single nucleotide variant.
Coding change: c.241C>T on transcript NM_000203.5 (MANE Select); coding-DNA position 241, C replaced by T.
Protein change: p.Pro81Ser; replaces proline 81 with serine.
Molecular consequence: missense variant. On other transcripts: 3 prime UTR variant (2), non-coding transcript variant (1), intron variant (1).
Genome position (GRCh38, 1-based): chr4:987,891, C>T. VCF-style: chr4-987891-C-T. GRCh37 (hg19) VCF-style: chr4-981679-C-T.
Other names: c.*942G>A (NM_022042.4, NM_213613.4); c.576+3237G>A (NM_134425.4); short protein forms P81S.
Identifiers: ClinVar variation 1897490 (VCV001897490.8), dbSNP rs773908263, ClinGen allele CA2801147.